The following is an entry in ClinVar:

NM_001256317.3(TMPRSS3):c.*191T>C

Gene: TMPRSS3 (transmembrane serine protease 3; minus strand). Cytogenetic location: 21q22.3.
Variant type: single nucleotide variant.
Coding change: c.*191T>C on transcript NM_001256317.3 (MANE Select); 191 bases downstream of the stop codon, T replaced by C.
Molecular consequence: 3 prime UTR variant.
Genome position (GRCh38, 1-based): chr21:42,372,571, A>G on the plus strand (T>C on the coding strand, the complement: TMPRSS3 is on the minus strand). VCF-style: chr21-42372571-A-G. GRCh37 (hg19) VCF-style: chr21-43792680-A-G.
Other names: c.*191T>C (NM_024022.4, NM_032404.3).
Identifiers: ClinVar variation 340055 (VCV000340055.8), dbSNP rs116789917, ClinGen allele CA10042177.
Genomic context (GRCh38, chr21:42,372,571, plus strand): 5'-GATTTCGCCACTGCACTCCAGCCTGGGCAACAGAGCGAGACTCCATCTCAAAAAAACAAA[A>G]AACAAAAAGCAGCTTGAAGGTTGTGCTGGAATCAGATGGAAGGGTGCCTCTTTCGGGCCT-3'

ClinVar aggregate classification (germline): Likely benign. Review status: criteria provided, multiple submitters, no conflicts (2 of 4 stars). 3 submissions from 3 submitters: Likely benign (3). Last evaluated 2019-09-30.

Conditions:
Autosomal recessive nonsyndromic hearing loss 8 (DFNB8). Also called: Deafness, autosomal recessive 10; NEUROSENSORY NONSYNDROMIC RECESSIVE DEAFNESS 8. Identifiers: Orphanet 90636, MedGen C1832827, MONDO:0010987, OMIM 601072.

Allele frequency attached by ClinVar (database versions not stated): 1000 Genomes Project 30x 0.01046; gnomAD exomes 0.00166 and 0.00084; gnomAD 0.00777 and 0.00839; 1000 Genomes Project 0.00958; ExAC 0.00451; TOPMed 0.00941.
gnomAD v4.1: 1,701 of 749,974 alleles (0.23%); highest among the groups gnomAD compares: African/African-American, 2.6%; 19 homozygotes.

Submissions (3):

GeneDx
Classification: Likely benign. Last evaluated: 2019-09-30. Review status: criteria provided, single submitter. Criteria: GeneDx Variant Classification Process June 2021. Collection method: clinical testing. Allele origin: germline. Affected: yes.

Illumina Laboratory Services, Illumina
Classification: Likely benign for Autosomal recessive nonsyndromic hearing loss 8. Last evaluated: 2018-01-13. Review status: criteria provided, single submitter. Criteria: ICSL Variant Classification Criteria 13 December 2019. Collection method: clinical testing. Allele origin: germline.
Comment: This variant was observed in the ICSL laboratory as part of a predisposition screen in an ostensibly healthy population. It had not been previously curated by ICSL or reported in the Human Gene Mutation Database (HGMD: prior to June 1st, 2018), and was therefore a candidate for classification through an automated scoring system. Utilizing variant allele frequency, disease prevalence and penetrance estimates, and inheritance mode, an automated score was calculated to assess if this variant is too frequent to cause the disease. Based on the score and internal cut-off values, a variant classified as likely benign is not then subjected to further curation. The score for this variant resulted in a classification of likely benign for this disease.

Breakthrough Genomics
Classification: Likely benign. Review status: criteria provided, single submitter. Criteria: ACMG Guidelines, 2015. Collection method: not provided. Allele origin: germline. Inheritance: Autosomal recessive inheritance. Affected: yes.